The following is an entry in ClinVar:

ClinVar aggregate classification (germline): Likely benign (1 of 4 stars; one submission).

Allele frequency attached by ClinVar (database versions not stated): 1000 Genomes Project 30x 0.00484; 1000 Genomes Project 0.00499; gnomAD 0.00567 and 0.00615; TOPMed 0.00678.
gnomAD v4.1: 856 of 152,350 alleles (0.56%); highest among the groups gnomAD compares: African/African-American, 1.9%; 6 homozygotes.

Submission:

GeneDx
Classification: Likely benign. Last evaluated: 2018-06-14. Review status: criteria provided, single submitter. Criteria: GeneDx Variant Classification (06012015). Collection method: clinical testing. Allele origin: germline. Affected: yes.
Comment: This variant is considered likely benign or benign based on one or more of the following criteria: it is a conservative change, it occurs at a poorly conserved position in the protein, it is predicted to be benign by multiple in silico algorithms, and/or has population frequency not consistent with disease.

NM_001999.4(FBN2):c.4345+324T>C

Gene: FBN2 (fibrillin 2; minus strand). Cytogenetic location: 5q23.3.
Variant type: single nucleotide variant.
Coding change: c.4345+324T>C on transcript NM_001999.4 (MANE Select); 324 bases into the intron after coding-DNA position 4345, T replaced by C.
Molecular consequence: intron variant.
Genome position (GRCh38, 1-based): chr5:128,330,249, A>G on the plus strand (T>C on the coding strand, the complement: FBN2 is on the minus strand). VCF-style: chr5-128330249-A-G. GRCh37 (hg19) VCF-style: chr5-127665941-A-G.
Identifiers: ClinVar variation 669925 (VCV000669925.1), dbSNP rs116561386, ClinGen allele CA127005463.